The following is an entry in ClinVar:

ClinVar aggregate classification (germline): Uncertain significance (1 of 4 stars; one submission).

Conditions:
Kleefstra syndrome 1 (KLEFS1). Identifiers: Orphanet 261494, MedGen C0795833, MONDO:0027407, OMIM 610253.

gnomAD v4.1: 1 of 1,611,216 alleles (0.000062%); highest among the groups gnomAD compares: Non-Finnish European, 0.000085%; no homozygotes.

Submission:

Labcorp Genetics (formerly Invitae), Labcorp
Classification: Uncertain significance for Kleefstra syndrome 1. Last evaluated: 2025-02-02. Review status: criteria provided, single submitter. Criteria: Invitae Variant Classification Sherloc (09022015). Collection method: clinical testing. Allele origin: germline.
Comment: This sequence change replaces alanine, which is neutral and non-polar, with threonine, which is neutral and polar, at codon 1097 of the EHMT1 protein (p.Ala1097Thr). This variant is not present in population databases (gnomAD no frequency). This variant has not been reported in the literature in individuals affected with EHMT1-related conditions. Invitae Evidence Modeling of protein sequence and biophysical properties (such as structural, functional, and spatial information, amino acid conservation, physicochemical variation, residue mobility, and thermodynamic stability) indicates that this missense variant is not expected to disrupt EHMT1 protein function with a negative predictive value of 80%. In summary, the available evidence is currently insufficient to determine the role of this variant in disease. Therefore, it has been classified as a Variant of Uncertain Significance.

NM_024757.5(EHMT1):c.3289G>A (p.Ala1097Thr)

Gene: EHMT1 (euchromatic histone lysine methyltransferase 1; plus strand). Cytogenetic location: 9q34.3.
Variant type: single nucleotide variant.
Coding change: c.3289G>A on transcript NM_024757.5 (MANE Select); coding-DNA position 3289, G replaced by A.
Protein change: p.Ala1097Thr; replaces alanine 1097 with threonine.
Molecular consequence: missense variant.
Genome position (GRCh38, 1-based): chr9:137,815,977, G>A. VCF-style: chr9-137815977-G-A. GRCh37 (hg19) VCF-style: chr9-140710429-G-A.
Other names: c.3268G>A, p.Ala1090Thr (NM_001354263.2); short protein forms A1097T, A1090T.
Identifiers: ClinVar variation 3648880 (VCV003648880.2).